The following is an entry in ClinVar:

NM_020166.5(MCCC1):c.762G>A (p.Arg254=)

Gene: MCCC1 (methylcrotonyl-CoA carboxylase subunit 1; minus strand). Cytogenetic location: 3q27.1.
Variant type: single nucleotide variant.
Coding change: c.762G>A on transcript NM_020166.5 (MANE Select); coding-DNA position 762, G replaced by A.
Protein change: p.Arg254=; no amino-acid change (arginine 254 retained).
Molecular consequence: synonymous variant. On other transcripts: non-coding transcript variant (2).
Genome position (GRCh38, 1-based): chr3:183,057,422, C>T on the plus strand (G>A on the coding strand, the complement: MCCC1 is on the minus strand). VCF-style: chr3-183057422-C-T. GRCh37 (hg19) VCF-style: chr3-182775210-C-T.
Other names: c.411G>A, p.Arg137= (NM_001293273.2); c.435G>A, p.Arg145= (NM_001363880.1).
Identifiers: ClinVar variation 1497578 (VCV001497578.6), dbSNP rs149389595, ClinGen allele CA2718967.

ClinVar aggregate classification (germline): Uncertain significance (1 of 4 stars; one submission).

Conditions:
3-methylcrotonyl-CoA carboxylase 1 deficiency (MCC1D). Also called: MCCD TYPE 1; METHYLCROTONYLGLYCINURIA TYPE I; MCC 1 deficiency; 3 Alpha methylcrotonylglycinuria 1. Identifiers: Orphanet 6, MedGen CN028786, MONDO:0008861, OMIM 210200.

Allele frequency attached by ClinVar (database versions not stated): gnomAD 0.00001; gnomAD exomes 0.00001 and 0.00002; ExAC 0.00002; TOPMed 0.00003; ESP Exome Variant Server 0.00008.
gnomAD v4.1: 33 of 1,598,226 alleles (0.0021%); highest among the groups gnomAD compares: Non-Finnish European, 0.0028%; no homozygotes.

Submission:

Labcorp Genetics (formerly Invitae), Labcorp
Classification: Uncertain significance for 3-methylcrotonyl-CoA carboxylase 1 deficiency. Last evaluated: 2022-06-20. Review status: criteria provided, single submitter. Criteria: Invitae Variant Classification Sherloc (09022015). Collection method: clinical testing. Allele origin: germline.
Comment: In summary, the available evidence is currently insufficient to determine the role of this variant in disease. Therefore, it has been classified as a Variant of Uncertain Significance. Algorithms developed to predict the effect of sequence changes on RNA splicing suggest that this variant is not likely to affect RNA splicing. This variant has not been reported in the literature in individuals affected with MCCC1-related conditions. The frequency data for this variant in the population databases is considered unreliable, as metrics indicate poor data quality at this position in the gnomAD database. This sequence change affects codon 254 of the MCCC1 mRNA. It is a 'silent' change, meaning that it does not change the encoded amino acid sequence of the MCCC1 protein. It affects a nucleotide within the consensus splice site.